The following is an entry in ClinVar:

ClinVar aggregate classification (germline): Conflicting classifications of pathogenicity. Review status: criteria provided, conflicting classifications (1 of 4 stars). 4 submissions from 4 submitters: Uncertain significance (1); Benign (1); Likely benign (2). Last evaluated 2026-04-16.

Conditions:
DICER1-related tumor predisposition. Also called: DICER1 syndrome; DICER1-related pleuropulmonary blastoma cancer predisposition syndrome. Identifiers: Orphanet 284343, MedGen C3839822, MONDO:0100216.
Hereditary cancer-predisposing syndrome. Also called: Tumor predisposition; Hereditary Cancer Syndrome; Hereditary neoplastic syndrome; Neoplastic Syndromes, Hereditary. Identifiers: Orphanet 140162, MedGen C0027672, MeSH D009386, MONDO:0015356.

Allele frequency attached by ClinVar (database versions not stated): gnomAD exomes 0.00001 and below 0.00001; TOPMed below 0.00001.
gnomAD v4.1: 4 of 1,614,196 alleles (0.00025%); highest among the groups gnomAD compares: African/African-American, 0.0013%; no homozygotes.

Submissions (4):

Myriad Genetics, Inc.
Classification: Benign for DICER1-related tumor predisposition. Last evaluated: 2026-04-16. Review status: criteria provided, single submitter. Criteria: Myriad Autosomal Dominant, Autosomal Recessive and X-Linked Classification Criteria (2023). Collection method: clinical testing. Allele origin: unknown.
Comment: This variant is considered benign. This variant is a silent/synonymous amino acid change and it is not expected to impact splicing.

Labcorp Genetics (formerly Invitae), Labcorp
Classification: Likely benign for DICER1-related tumor predisposition. Last evaluated: 2024-07-16. Review status: criteria provided, single submitter. Criteria: Invitae Variant Classification Sherloc (09022015). Collection method: clinical testing. Allele origin: germline.

Sema4
Classification: Uncertain significance for Hereditary cancer-predisposing syndrome. Last evaluated: 2022-01-14. Review status: criteria provided, single submitter. Criteria: Sema4 Curation Guidelines. Collection method: curation. Allele origin: germline.
Comment: The DICER1 c.2916T>C (p.Y972=) variant has not been reported in the literature to our knowledge. It was observed in 1/113662 chromosomes of the Non-Finnish European subpopulation in the large and broad cohorts of the Genome Aggregation Database (PMID: 32461654). The variant has been reported in ClinVar (Variation ID: 765165). The nucleotide is moderately conserved and computational tools suggest that this variant does not impact splicing, but this prediction has not been confirmed by functional studies. The evidence is insufficient to meet ACMG/AMP criteria for classifying the variant as benign or pathogenic. Thus, the clinical significance of this variant is currently uncertain.

Ambry Genetics
Classification: Likely benign for Hereditary cancer-predisposing syndrome. Last evaluated: 2018-09-24. Review status: criteria provided, single submitter. Criteria: Ambry Variant Classification Scheme 2023. Collection method: clinical testing. Allele origin: germline.

NM_177438.3(DICER1):c.2916T>C (p.Tyr972=)

Gene: DICER1 (dicer 1, ribonuclease III; minus strand). Cytogenetic location: 14q32.13.
Variant type: single nucleotide variant.
Coding change: c.2916T>C on transcript NM_177438.3 (MANE Select); coding-DNA position 2916, T replaced by C.
Protein change: p.Tyr972=; no amino-acid change (tyrosine 972 retained).
Molecular consequence: synonymous variant.
Genome position (GRCh38, 1-based): chr14:95,106,112, A>G on the plus strand (T>C on the coding strand, the complement: DICER1 is on the minus strand). VCF-style: chr14-95106112-A-G. GRCh37 (hg19) VCF-style: chr14-95572449-A-G.
Other names: c.2916T>C, p.Tyr972= (NM_001195573.1, NM_001271282.3, NM_001291628.2 and 1 more transcripts).
Identifiers: ClinVar variation 765165 (VCV000765165.16), dbSNP rs1488644936, ClinGen allele CA487844652.
Genomic context (GRCh38, chr14:95,106,112, plus strand): 5'-GTGGTCCACATCCAGCAGTGGCTGGTTGAGATTGGTTAGGTCAAGGTTGTACTTTGTTTT[A>G]TAATATTCTGCAAAAGTTTCATACTCAGGGGAAGGAAATTTACTGAGTGGGGTAAGATCA-3'
Protein context (NP_803187.1, residues 962-982): SPEYETFAEY[Tyr972=]KTKYNLDLTN